The following is an entry in ClinVar:

ClinVar aggregate classification (germline): Conflicting classifications of pathogenicity. Review status: criteria provided, conflicting classifications (1 of 4 stars). 3 submissions from 3 submitters: Uncertain significance (2); Likely benign (1). Last evaluated 2025-05-18.

Conditions:
Inborn genetic diseases. Identifiers: MedGen C0950123, MeSH D030342.

Allele frequency attached by ClinVar (database versions not stated): ExAC 0.00002.
gnomAD v4.1: 16 of 1,613,960 alleles (0.00099%); highest among the groups gnomAD compares: Non-Finnish European, 0.0014%; no homozygotes.

Submissions (3):

Ambry Genetics
Classification: Likely benign for Inborn genetic diseases. Last evaluated: 2025-05-18. Review status: criteria provided, single submitter. Criteria: Ambry Variant Classification Scheme 2023. Collection method: clinical testing. Allele origin: germline.

Institute for Clinical Genetics, University Hospital TU Dresden, University Hospital TU Dresden
Classification: Uncertain significance. Last evaluated: 2023-06-29. Review status: criteria provided, single submitter. Criteria: ACMG Guidelines, 2015. Collection method: clinical testing. Allele origin: germline.
Comment: PM2_SUP

CeGaT Center for Human Genetics Tuebingen
Classification: Uncertain significance. Last evaluated: 2023-01-01. Review status: criteria provided, single submitter. Criteria: CeGaT Center For Human Genetics Tuebingen Variant Classification Criteria Version 2. Collection method: clinical testing. Allele origin: germline. Affected: yes. Observed: 1 variant allele.

NM_005121.3(MED13):c.1758C>G (p.Phe586Leu)

Gene: MED13 (mediator complex subunit 13; minus strand). Cytogenetic location: 17q23.2.
Variant type: single nucleotide variant.
Coding change: c.1758C>G on transcript NM_005121.3 (MANE Select); coding-DNA position 1758, C replaced by G.
Protein change: p.Phe586Leu; replaces phenylalanine 586 with leucine.
Molecular consequence: missense variant.
Genome position (GRCh38, 1-based): chr17:62,010,759, G>C on the plus strand (C>G on the coding strand, the complement: MED13 is on the minus strand). VCF-style: chr17-62010759-G-C. GRCh37 (hg19) VCF-style: chr17-60088120-G-C.
Other names: c.1758C>G (NM_005121.2); short protein forms F586L.
Identifiers: ClinVar variation 2576162 (VCV002576162.25), dbSNP rs371928096, ClinGen allele CA8692986.